The following is an entry in ClinVar:

NM_004408.4(DNM1):c.1335+1948C>T

Gene: DNM1 (dynamin 1; plus strand). Cytogenetic location: 9q34.11.
Variant type: single nucleotide variant.
Coding change: c.1335+1948C>T on transcript NM_004408.4 (MANE Select); 1948 bases into the intron after coding-DNA position 1335, C replaced by T.
Molecular consequence: intron variant.
Genome position (GRCh38, 1-based): chr9:128,226,337, C>T. VCF-style: chr9-128226337-C-T. GRCh37 (hg19) VCF-style: chr9-130988616-C-T.
Other names: c.1335+1948C>T (NM_001005336.3); c.1335+164C>T (NM_001288738.2, NM_001288737.2, NM_001288739.2).
Identifiers: ClinVar variation 679303 (VCV000679303.2), dbSNP rs3003612, ClinGen allele CA13020670.

ClinVar aggregate classification (germline): Benign. Review status: criteria provided, multiple submitters, no conflicts (2 of 4 stars). 2 submissions from 2 submitters: Benign (2). Last evaluated 2018-06-14.

Allele frequency attached by ClinVar (database versions not stated): gnomAD 0.48393 and 0.48864; TOPMed 0.49131; 1000 Genomes Project 0.50379; 1000 Genomes Project 30x 0.50437.
gnomAD v4.1: 74,474 of 152,026 alleles (49%); highest among the groups gnomAD compares: Admixed American, 62%; 19,193 homozygotes.

Submissions (2):

GeneDx
Classification: Benign. Last evaluated: 2018-06-14. Review status: criteria provided, single submitter. Criteria: GeneDx Variant Classification (06012015). Collection method: clinical testing. Allele origin: germline. Affected: yes.
Comment: This variant is considered likely benign or benign based on one or more of the following criteria: it is a conservative change, it occurs at a poorly conserved position in the protein, it is predicted to be benign by multiple in silico algorithms, and/or has population frequency not consistent with disease.

Breakthrough Genomics
Classification: Benign. Review status: criteria provided, single submitter. Criteria: ACMG Guidelines, 2015. Collection method: not provided. Allele origin: germline. Inheritance: Autosomal dominant inheritance. Affected: yes.